The following is an entry in ClinVar:

ClinVar aggregate classification (germline): Uncertain significance (1 of 4 stars; one submission).

Submission:

Women's Health and Genetics/Laboratory Corporation of America, LabCorp
Classification: Uncertain significance. Last evaluated: 2025-05-12. Review status: criteria provided, single submitter. Criteria: LabCorp Variant Classification Summary - May 2015. Collection method: clinical testing. Allele origin: germline.
Comment: Variant summary: BPTF c.1636A>G (p.Lys546Glu) results in a conservative amino acid change in the encoded protein sequence. Algorithms developed to predict the effect of missense changes on protein structure and function are either unavailable or do not agree on the potential impact of this missense change. The variant was absent in 250846 control chromosomes. The available data on variant occurrences in the general population are insufficient to allow any conclusion about variant significance. To our knowledge, no occurrence of c.1636A>G in individuals affected with Neurodevelopmental Disorder With Dysmorphic Facies And Distal Limb Anomalies and no experimental evidence demonstrating its impact on protein function have been reported. No submitters have cited clinical-significance assessments for this variant to ClinVar. Based on the evidence outlined above, the variant was classified as uncertain significance.

NM_182641.4(BPTF):c.1636A>G (p.Lys546Glu)

Gene: BPTF (bromodomain PHD finger transcription factor; plus strand). Cytogenetic location: 17q24.2.
Variant type: single nucleotide variant.
Coding change: c.1636A>G on transcript NM_182641.4 (MANE Select); coding-DNA position 1636, A replaced by G.
Protein change: p.Lys546Glu; replaces lysine 546 with glutamic acid.
Molecular consequence: missense variant.
Genome position (GRCh38, 1-based): chr17:67,866,663, A>G. VCF-style: chr17-67866663-A-G. GRCh37 (hg19) VCF-style: chr17-65862779-A-G.
Other names: c.1636A>G, p.Lys546Glu (NM_004459.7); short protein forms K546E.
Identifiers: ClinVar variation 3902280 (VCV003902280.1).